The following is an entry in ClinVar:

NM_003172.4(SURF1):c.728C>T (p.Pro243Leu)

Gene: SURF1 (SURF1 cytochrome c oxidase assembly factor; minus strand). Cytogenetic location: 9q34.2.
Variant type: single nucleotide variant.
Coding change: c.728C>T on transcript NM_003172.4 (MANE Select); coding-DNA position 728, C replaced by T.
Protein change: p.Pro243Leu; replaces proline 243 with leucine.
Molecular consequence: missense variant.
Genome position (GRCh38, 1-based): chr9:133,352,469, G>A on the plus strand (C>T on the coding strand, the complement: SURF1 is on the minus strand). VCF-style: chr9-133352469-G-A. GRCh37 (hg19) VCF-style: chr9-136219324-G-A.
Other names: c.401C>T, p.Pro134Leu (NM_001280787.1); short protein forms P243L, P134L.
Identifiers: ClinVar variation 3712039 (VCV003712039.2).

ClinVar aggregate classification (germline): Uncertain significance (1 of 4 stars; one submission).

Conditions:
Leigh syndrome (NULS). Also called: Leigh's syndrome; Leigh Syndrome (mtDNA deletion); Leigh Disease; Subacute necrotizing encephalopathy; Necrotizing encephalopathy infantile subacute of Leigh; LEIGH SYNDROME, NUCLEAR. Identifiers: Orphanet 506, MedGen C2931891, MONDO:0009723, OMIM 256000.

Submission:

Labcorp Genetics (formerly Invitae), Labcorp
Classification: Uncertain significance for Leigh syndrome. Last evaluated: 2025-03-25. Review status: criteria provided, single submitter. Criteria: Invitae Variant Classification Sherloc (09022015). Collection method: clinical testing. Allele origin: germline.
Comment: This sequence change replaces proline, which is neutral and non-polar, with leucine, which is neutral and non-polar, at codon 243 of the SURF1 protein (p.Pro243Leu). This variant is not present in population databases (gnomAD no frequency). This variant has not been reported in the literature in individuals affected with SURF1-related conditions. Invitae Evidence Modeling of protein sequence and biophysical properties (such as structural, functional, and spatial information, amino acid conservation, physicochemical variation, residue mobility, and thermodynamic stability) has been performed for this missense variant. However, the output from this modeling did not meet the statistical confidence thresholds required to predict the impact of this variant on SURF1 protein function. In summary, the available evidence is currently insufficient to determine the role of this variant in disease. Therefore, it has been classified as a Variant of Uncertain Significance.